The following is an entry in ClinVar:

ClinVar aggregate classification (germline): Uncertain significance (1 of 4 stars; one submission).

Conditions:
MYO6-related disorder. Also called: MYO6-related condition; MYO6-related disorders.

gnomAD v4.1: 53 of 1,613,540 alleles (0.0033%); highest among the groups gnomAD compares: Non-Finnish European, 0.0042%; no homozygotes.

Submission:

PreventionGenetics, part of Exact Sciences
Classification: Uncertain significance for MYO6-related condition. Last evaluated: 2025-06-19. Review status: criteria provided, single submitter. Criteria: ACMG Guidelines, 2015. Collection method: clinical testing. Allele origin: germline.
Comment: The MYO6 c.1154A>G variant is predicted to result in the amino acid substitution p.Asp385Gly. To our knowledge, this variant has not been reported in the literature. This variant is reported in 0.0018% of alleles in individuals of European (Non-Finnish) descent in gnomAD. At this time, the clinical significance of this variant is uncertain due to the absence of conclusive functional and genetic evidence.

NM_004999.4(MYO6):c.1154A>G (p.Asp385Gly)

Gene: MYO6 (myosin VI; plus strand). Cytogenetic location: 6q14.1.
Variant type: single nucleotide variant.
Coding change: c.1154A>G on transcript NM_004999.4 (MANE Select); coding-DNA position 1154, A replaced by G.
Protein change: p.Asp385Gly; replaces aspartic acid 385 with glycine.
Molecular consequence: missense variant. On other transcripts: non-coding transcript variant (1).
Genome position (GRCh38, 1-based): chr6:75,855,214, A>G. VCF-style: chr6-75855214-A-G. GRCh37 (hg19) VCF-style: chr6-76564931-A-G.
Other names: c.1154A>G, p.Asp385Gly (NM_001300899.2, NM_001368136.1, NM_001368137.1 and 2 more transcripts); c.1139A>G, p.Asp380Gly (NM_001368138.1); short protein forms D380G, D385G.
Identifiers: ClinVar variation 4979958 (VCV004979958.1).